The following is an entry in ClinVar:

NM_004656.4(BAP1):c.1300G>A (p.Asp434Asn)

Gene: BAP1 (BRCA1 associated deubiquitinase 1; minus strand). Cytogenetic location: 3p21.1.
Variant type: single nucleotide variant.
Coding change: c.1300G>A on transcript NM_004656.4 (MANE Select); coding-DNA position 1300, G replaced by A.
Protein change: p.Asp434Asn; replaces aspartic acid 434 with asparagine.
Molecular consequence: missense variant.
Genome position (GRCh38, 1-based): chr3:52,403,845, C>T on the plus strand (G>A on the coding strand, the complement: BAP1 is on the minus strand). VCF-style: chr3-52403845-C-T. GRCh37 (hg19) VCF-style: chr3-52437861-C-T.
Other names: c.1246G>A, p.Asp416Asn (NM_001410772.1); short protein forms D416N, D434N.
Identifiers: ClinVar variation 5020165 (VCV005020165.1).

ClinVar aggregate classification (germline): Uncertain significance (1 of 4 stars; one submission).

Submission:

Dasa
Classification: Uncertain significance. Last evaluated: 2026-07-21. Review status: criteria provided, single submitter. Criteria: DASA Assertion Criteria. Collection method: clinical testing. Allele origin: germline.
Comment: NM_004656.4(BAP1):c.1300G>A (p.Asp434Asn) is a missense variant that results in the substitution of aspartic acid with asparagine. This variant is rare in population databases. The currently available literature and clinical evidence are not sufficient to establish a definitive association between this variant and the reported condition. Therefore, this variant is classified as a variant of uncertain significance.